The following is an entry in ClinVar:

NM_001033855.3(DCLRE1C):c.1930G>C (p.Asp644His)

Gene: DCLRE1C (DNA cross-link repair 1C; minus strand). Cytogenetic location: 10p13.
Variant type: single nucleotide variant.
Coding change: c.1930G>C on transcript NM_001033855.3 (MANE Select); coding-DNA position 1930, G replaced by C.
Protein change: p.Asp644His; replaces aspartic acid 644 with histidine.
Molecular consequence: missense variant. On other transcripts: non-coding transcript variant (3), intron variant (3).
Genome position (GRCh38, 1-based): chr10:14,908,557, C>G on the plus strand (G>C on the coding strand, the complement: DCLRE1C is on the minus strand). VCF-style: chr10-14908557-C-G. GRCh37 (hg19) VCF-style: chr10-14950556-C-G.
Other names: c.1570G>C, p.Asp524His (NM_001033857.3, NM_001033858.3, NM_001289077.2 and 1 more transcripts); c.1585G>C, p.Asp529His (NM_001289076.2, NM_001289078.2, NM_022487.4); c.1437+148G>C (NM_001350966.2); c.1782+148G>C (NM_001350965.2); c.1422+148G>C (NM_001350967.2); short protein forms D529H, D644H, D524H.
Identifiers: ClinVar variation 1958810 (VCV001958810.5), dbSNP rs2491617936, ClinGen allele CA376074253.
Genomic context (GRCh38, chr10:14,908,557, plus strand): 5'-GTTTAGGTAACTCAGCTTCTGGAGTTGAGGGAACTTCAAAATCAGAAGAGCTCTGGGAAT[C>G]TGCATTTGTGCTAAGATTTAGCAAACTTTTTTCCTCGGGTATATGTGTCTCACTGCTTAG-3'
Protein context (NP_001029027.1, residues 634-654): KSLLNLSTNA[Asp644His]SQSSSDFEVP

ClinVar aggregate classification (germline): Uncertain significance (1 of 4 stars; one submission).

Conditions:
Severe combined immunodeficiency due to DCLRE1C deficiency (RS-SCID). Also called: SCID, AUTOSOMAL RECESSIVE, T CELL-NEGATIVE, B CELL-NEGATIVE, NK CELL-POSITIVE, WITH SENSITIVITY TO IONIZING RADIATION. Identifiers: Orphanet 275, MedGen C1865371, MONDO:0011225, OMIM 602450.

Allele frequency attached by ClinVar (database versions not stated): gnomAD exomes below 0.00001.
gnomAD v4.1: 2 of 1,614,154 alleles (0.00012%); highest among the groups gnomAD compares: Non-Finnish European, 0.00017%; no homozygotes.

Submission:

Labcorp Genetics (formerly Invitae), Labcorp
Classification: Uncertain significance for Athabaskan severe combined immunodeficiency. Last evaluated: 2022-06-07. Review status: criteria provided, single submitter. Criteria: Invitae Variant Classification Sherloc (09022015). Collection method: clinical testing. Allele origin: germline.
Comment: In summary, the available evidence is currently insufficient to determine the role of this variant in disease. Therefore, it has been classified as a Variant of Uncertain Significance. This sequence change replaces aspartic acid, which is acidic and polar, with histidine, which is basic and polar, at codon 644 of the DCLRE1C protein (p.Asp644His). This variant is not present in population databases (gnomAD no frequency). This variant has not been reported in the literature in individuals affected with DCLRE1C-related conditions. Algorithms developed to predict the effect of missense changes on protein structure and function are either unavailable or do not agree on the potential impact of this missense change (SIFT: "Tolerated"; PolyPhen-2: "Probably Damaging"; Align-GVGD: "Class C0").